The following is an entry in ClinVar:

ClinVar aggregate classification (germline): Conflicting classifications of pathogenicity. Review status: criteria provided, conflicting classifications (1 of 4 stars). 2 submissions from 2 submitters: Pathogenic (1); Uncertain significance (1). Last evaluated 2018-05-01.

Conditions:
Asphyxiating thoracic dystrophy 3. Also called: SHORT-RIB THORACIC DYSPLASIA 3/6 WITH POLYDACTYLY, DIGENIC; SHORT-RIB THORACIC DYSPLASIA 3 WITH OR WITHOUT POLYDACTYLY; POLYDACTYLY WITH NEONATAL CHONDRODYSTROPHY, TYPE I; Short rib polydactyly syndrome 2B; Saldino-Noonan Syndrome. Identifiers: Orphanet 474, Orphanet 93269, Orphanet 93270, Orphanet 93271, MedGen C0036069, MONDO:0013127, OMIM 613091.
Jeune thoracic dystrophy. Also called: Jeune syndrome; Infantile thoracic dystrophy; Thoracic pelvic phalangeal dystrophy; Jeune's syndrome; Chondroectodermal dysplasia-like syndrome; Short-rib thoracic dysplasia. Identifiers: Orphanet 474, MedGen C0265275, MONDO:0018770.

Submissions (2):

Rare Disease Group, Clinical Genetics, Karolinska Institutet
Classification: Uncertain significance for Jeune thoracic dystrophy. Last evaluated: 2018-05-01. Review status: criteria provided, single submitter. Criteria: ACMG Guidelines, 2015. Collection method: research. Allele origin: germline. Inheritance: Autosomal recessive inheritance. Affected: yes.

Baylor Genetics
Classification: Pathogenic for Asphyxiating thoracic dystrophy 3. Last evaluated: 2017-09-01. Review status: criteria provided, single submitter. Criteria: ACMG Guidelines, 2015. Collection method: clinical testing. Allele origin: paternal. Inheritance: Autosomal recessive inheritance. Affected: yes.
Comment: This mutation has been previously reported as disease-causing and was found once in our laboratory in trans with another missense variant in two sibs with short rib polydactyly syndrome.

Literature cited by the submitters: PubMed 19442771 (cited by Baylor Genetics); PubMed 25326635 (cited by Baylor Genetics).

NM_001080463.1(DYNC2H1):c.[11284A>G;5971A>T]

Variant type: Haplotype.
Identifiers: ClinVar variation 558741 (VCV000558741.4).